The following is an entry in ClinVar:

NM_000062.3(SERPING1):c.1029+384A>G

Gene: SERPING1 (serpin family G member 1; plus strand). Cytogenetic location: 11q12.1.
Variant type: single nucleotide variant.
Coding change: c.1029+384A>G on transcript NM_000062.3 (MANE Select); 384 bases into the intron after coding-DNA position 1029, A replaced by G.
Molecular consequence: intron variant.
Genome position (GRCh38, 1-based): chr11:57,606,931, A>G. VCF-style: chr11-57606931-A-G. GRCh37 (hg19) VCF-style: chr11-57374404-A-G.
Other names: c.1029+384A>G (NM_001032295.2).
Identifiers: ClinVar variation 870445 (VCV000870445.4), dbSNP rs1945416520, ClinGen allele CA916080426.

ClinVar aggregate classification (germline): Pathogenic (1 of 4 stars; one submission).

Conditions:
Hereditary angioedema type 1 (HAE1). Identifiers: Orphanet 100050, Orphanet 100051, Orphanet 91378, MedGen C2717906, MONDO:0015053, OMIM 106100.

Submission:

Department of Immunology and Histocompatibility, University of Thessaly
Classification: Pathogenic for Hereditary angioedema type 1. Review status: criteria provided, single submitter. Criteria: ACMG Guidelines, 2015. Collection method: clinical testing. Allele origin: germline. Affected: yes. Observed: 4 variant alleles.
Comment: The c.1029+384A>G variant has been previously reported in association with hereditary angioedema in the literature (Hujova et al., 2020). It was detected by our laboratory in four C1-INH HAE Type I patients, members of a Hungarian family, while it was absent from all of the 3 healthy family members. It was not detected amongst the 31360 individuals of the Genome Aggregation Database (gnomAD), indicating that it is not a common variant. The bioinformatic tools NNSPLICE, HSF, FSPLICE and have shown that the c.1029+384A>G variant introduces in the genome a new donor site. Taking all the above into account and according to ACMG Guidelines (Criteria: PS4, PM2, PP1, PP3, PP4, PP5) the variant is considered pathogenic.

Literature cited by the submitters: PubMed 31982983; PubMed 33034800.